The following is an entry in ClinVar:

ClinVar aggregate classification (germline): Benign/Likely benign. Review status: criteria provided, multiple submitters, no conflicts (2 of 4 stars). 7 submissions from 7 submitters: Benign (2); Likely benign (4). 1 of the submissions does not count toward it. Last evaluated 2025-12-23.

Conditions:
AKAP9-related disorder. Also called: AKAP9-related condition.
Long QT syndrome 11 (LQT11). Identifiers: Orphanet 101016, Orphanet 768, MedGen C2678483, MONDO:0012738, OMIM 611820.
Long QT syndrome (LQTS). Identifiers: MedGen C0023976, MeSH D008133, MONDO:0002442. Disease mechanism: loss of function. Inheritance: Various modes of inheritance.
Cardiovascular phenotype. Identifiers: MedGen CN230736.

Allele frequency attached by ClinVar (database versions not stated): gnomAD exomes 0.00040; ExAC 0.00048; ESP Exome Variant Server 0.00154; 1000 Genomes Project 30x 0.00156; gnomAD 0.00157 and 0.00167; TOPMed 0.00178; 1000 Genomes Project 0.00180.

Submissions (7):

Labcorp Genetics (formerly Invitae), Labcorp
Classification: Benign for Long QT syndrome. Last evaluated: 2025-12-23. Review status: criteria provided, single submitter. Criteria: Invitae Variant Classification Sherloc (09022015). Collection method: clinical testing. Allele origin: germline.

Ambry Genetics
Classification: Likely benign for Cardiovascular phenotype. Last evaluated: 2025-12-02. Review status: criteria provided, single submitter. Criteria: Ambry Variant Classification Scheme 2023. Collection method: clinical testing. Allele origin: germline.

Blueprint Genetics
Classification: Likely benign. Last evaluated: 2024-01-19. Review status: criteria provided, single submitter. Criteria: ACMG Guidelines, 2015. Collection method: clinical testing. Allele origin: germline.

Women's Health and Genetics/Laboratory Corporation of America, LabCorp
Classification: Likely benign. Last evaluated: 2023-02-13. Review status: criteria provided, single submitter. Criteria: LabCorp Variant Classification Summary - May 2015. Collection method: clinical testing. Allele origin: germline.

Genome-Nilou Lab
Classification: Benign for Long QT syndrome 11. Last evaluated: 2021-12-05. Review status: criteria provided, single submitter. Criteria: ACMG Guidelines, 2015. Collection method: clinical testing. Allele origin: germline. Affected: no.

Breakthrough Genomics
Classification: Likely benign. Review status: criteria provided, single submitter. Criteria: ACMG Guidelines, 2015. Collection method: not provided. Allele origin: germline. Inheritance: Autosomal dominant inheritance. Affected: yes.

PreventionGenetics, part of Exact Sciences
Classification: Benign for AKAP9-related condition. Last evaluated: 2021-04-10. Review status: no assertion criteria provided. Collection method: clinical testing. Allele origin: germline. Not counted in ClinVar's aggregate classification.
Comment: This variant is classified as benign based on ACMG/AMP sequence variant interpretation guidelines (Richards et al. 2015 PMID: 25741868, with internal and published modifications).

NM_005751.5(AKAP9):c.5428A>G (p.Met1810Val)

Gene: AKAP9 (A-kinase anchoring protein 9; plus strand). Cytogenetic location: 7q21.2.
Variant type: single nucleotide variant.
Coding change: c.5428A>G on transcript NM_005751.5 (MANE Select); coding-DNA position 5428, A replaced by G.
Protein change: p.Met1810Val; replaces methionine 1810 with valine.
Molecular consequence: missense variant.
Genome position (GRCh38, 1-based): chr7:92,052,785, A>G. VCF-style: chr7-92052785-A-G. GRCh37 (hg19) VCF-style: chr7-91682099-A-G.
Other names: c.5428A>G, p.Met1810Val (NM_147185.3); short protein forms M1810V.
Identifiers: ClinVar variation 417021 (VCV000417021.22), dbSNP rs115624293, ClinGen allele CA4336787.